The following is an entry in ClinVar:

NM_144701.3(IL23R):c.1415C>T (p.Thr472Ile)

Gene: IL23R (interleukin 23 receptor; plus strand). Cytogenetic location: 1p31.3.
Variant type: single nucleotide variant.
Coding change: c.1415C>T on transcript NM_144701.3 (MANE Select); coding-DNA position 1415, C replaced by T.
Protein change: p.Thr472Ile; replaces threonine 472 with isoleucine.
Molecular consequence: missense variant.
Genome position (GRCh38, 1-based): chr1:67,258,653, C>T. VCF-style: chr1-67258653-C-T. GRCh37 (hg19) VCF-style: chr1-67724336-C-T.
Other names: short protein forms T472I.
Identifiers: ClinVar variation 3725837 (VCV003725837.2).

ClinVar aggregate classification (germline): Uncertain significance (1 of 4 stars; one submission).

gnomAD v4.1: 1 of 1,613,976 alleles (0.000062%); highest among the groups gnomAD compares: Non-Finnish European, 0.000085%; no homozygotes.

Submission:

Labcorp Genetics (formerly Invitae), Labcorp
Classification: Uncertain significance. Last evaluated: 2024-11-22. Review status: criteria provided, single submitter. Criteria: Invitae Variant Classification Sherloc (09022015). Collection method: clinical testing. Allele origin: germline.
Comment: This sequence change replaces threonine, which is neutral and polar, with isoleucine, which is neutral and non-polar, at codon 472 of the IL23R protein (p.Thr472Ile). This variant is not present in population databases (gnomAD no frequency). This variant has not been reported in the literature in individuals affected with IL23R-related conditions. An algorithm developed to predict the effect of missense changes on protein structure and function (PolyPhen-2) suggests that this variant is likely to be disruptive. In summary, the available evidence is currently insufficient to determine the role of this variant in disease. Therefore, it has been classified as a Variant of Uncertain Significance.